The following is an entry in ClinVar:

NM_173660.5(DOK7):c.1057T>C (p.Ser353Pro)

Gene: DOK7 (docking protein 7; plus strand). Cytogenetic location: 4p16.3.
Variant type: single nucleotide variant.
Coding change: c.1057T>C on transcript NM_173660.5 (MANE Select); coding-DNA position 1057, T replaced by C.
Protein change: p.Ser353Pro; replaces serine 353 with proline.
Molecular consequence: missense variant. On other transcripts: 3 prime UTR variant (1).
Genome position (GRCh38, 1-based): chr4:3,493,043, T>C. VCF-style: chr4-3493043-T-C. GRCh37 (hg19) VCF-style: chr4-3494770-T-C.
Other names: c.*278T>C (NM_001164673.2); c.127T>C, p.Ser43Pro (NM_001256896.2); c.1057T>C, p.Ser353Pro (NM_001301071.2); c.625T>C, p.Ser209Pro (NM_001363811.2); short protein forms S353P, S43P, S209P.
Identifiers: ClinVar variation 1350699 (VCV001350699.3), dbSNP rs931160069, ClinGen allele CA91556752.

ClinVar aggregate classification (germline): Uncertain significance (1 of 4 stars; one submission).

Conditions:
Congenital myasthenic syndrome 10. Also called: Myasthenia, limb-girdle, familial. Identifiers: Orphanet 590, MedGen C1850792, MONDO:0009690, OMIM 254300.
Fetal akinesia deformation sequence 1 (FADS1). Also called: Pena-Shokeir syndrome type I; Fetal akinesia sequence. Identifiers: Orphanet 994, MedGen C1276035, MONDO:0100101, OMIM 208150, HP:0001989.

Allele frequency attached by ClinVar (database versions not stated): gnomAD 0.00001; gnomAD exomes 0.00001; TOPMed 0.00002.
gnomAD v4.1: 5 of 1,573,110 alleles (0.00032%); highest among the groups gnomAD compares: African/African-American, 0.0054%; no homozygotes.

Submission:

Labcorp Genetics (formerly Invitae), Labcorp
Classification: Uncertain significance for Congenital myasthenic syndrome 10; Fetal akinesia deformation sequence 1. Last evaluated: 2022-07-06. Review status: criteria provided, single submitter. Criteria: Invitae Variant Classification Sherloc (09022015). Collection method: clinical testing. Allele origin: germline.
Comment: This sequence change replaces serine, which is neutral and polar, with proline, which is neutral and non-polar, at codon 353 of the DOK7 protein (p.Ser353Pro). This variant is not present in population databases (gnomAD no frequency). This variant has not been reported in the literature in individuals affected with DOK7-related conditions. ClinVar contains an entry for this variant (Variation ID: 1350699). Algorithms developed to predict the effect of missense changes on protein structure and function are either unavailable or do not agree on the potential impact of this missense change (SIFT: "Deleterious"; PolyPhen-2: "Probably Damaging"; Align-GVGD: "Class C0"). In summary, the available evidence is currently insufficient to determine the role of this variant in disease. Therefore, it has been classified as a Variant of Uncertain Significance.